The following is an entry in ClinVar:

ClinVar aggregate classification (germline): Uncertain significance (1 of 4 stars; one submission).

Allele frequency attached by ClinVar (database versions not stated): ExAC 0.00001; gnomAD 0.00001.
gnomAD v4.1: 2 of 1,613,544 alleles (0.00012%); highest among the groups gnomAD compares: Non-Finnish European, 0.00017%; no homozygotes.

Submission:

Labcorp Genetics (formerly Invitae), Labcorp
Classification: Uncertain significance. Last evaluated: 2021-11-29. Review status: criteria provided, single submitter. Criteria: Invitae Variant Classification Sherloc (09022015). Collection method: clinical testing. Allele origin: germline.
Comment: In summary, the available evidence is currently insufficient to determine the role of this variant in disease. Therefore, it has been classified as a Variant of Uncertain Significance. Advanced modeling of protein sequence and biophysical properties (such as structural, functional, and spatial information, amino acid conservation, physicochemical variation, residue mobility, and thermodynamic stability) performed at Invitae indicates that this missense variant is not expected to disrupt COL9A1 protein function. This variant has not been reported in the literature in individuals affected with COL9A1-related conditions. This variant is present in population databases (rs770948668, gnomAD 0.0009%). This sequence change replaces arginine, which is basic and polar, with lysine, which is basic and polar, at codon 72 of the COL9A1 protein (p.Arg72Lys).

NM_001851.6(COL9A1):c.215G>A (p.Arg72Lys)

Gene: COL9A1 (collagen type IX alpha 1 chain; minus strand). Cytogenetic location: 6q13.
Variant type: single nucleotide variant.
Coding change: c.215G>A on transcript NM_001851.6 (MANE Select); coding-DNA position 215, G replaced by A.
Protein change: p.Arg72Lys; replaces arginine 72 with lysine.
Molecular consequence: missense variant.
Genome position (GRCh38, 1-based): chr6:70,300,127, C>T on the plus strand (G>A on the coding strand, the complement: COL9A1 is on the minus strand). VCF-style: chr6-70300127-C-T. GRCh37 (hg19) VCF-style: chr6-71009830-C-T.
Other names: c.215G>A, p.Arg72Lys (NM_001377291.1); short protein forms R72K.
Identifiers: ClinVar variation 1997877 (VCV001997877.4), dbSNP rs770948668, ClinGen allele CA3882879.
Genomic context (GRCh38, chr6:70,300,127, plus strand): 5'-TTATTTCCCAACTTGTAAGCCACCTGCAATGTAGCTGATCCCACTACTCTCTGGATAGCT[C>T]TTCTAGATGCTGCTTTATCTACCTGGAACTGAGAGATCAGATCAAACCCTATAGAATGGG-3'
Protein context (NP_001842.3, residues 62-82): QFQVDKAASR[Arg72Lys]AIQRVVGSAT